The following is an entry in ClinVar:

NM_000214.3(JAG1):c.3567G>A (p.Thr1189=)

Gene: JAG1 (jagged canonical Notch ligand 1; minus strand). Cytogenetic location: 20p12.2.
Variant type: single nucleotide variant.
Coding change: c.3567G>A on transcript NM_000214.3 (MANE Select); coding-DNA position 3567, G replaced by A.
Protein change: p.Thr1189=; no amino-acid change (threonine 1189 retained).
Molecular consequence: synonymous variant.
Genome position (GRCh38, 1-based): chr20:10,639,588, C>T on the plus strand (G>A on the coding strand, the complement: JAG1 is on the minus strand). VCF-style: chr20-10639588-C-T. GRCh37 (hg19) VCF-style: chr20-10620236-C-T.
Identifiers: ClinVar variation 681340 (VCV000681340.15), dbSNP rs373846021, ClinGen allele CA9764184.

ClinVar aggregate classification (germline): Likely benign. Review status: criteria provided, multiple submitters, no conflicts (2 of 4 stars). 5 submissions from 5 submitters: Likely benign (5). Last evaluated 2025-12-01.

Conditions:
Alagille syndrome due to a JAG1 point mutation. Also called: JAG1-Related Alagille Syndrome; Alagille Syndrome 1; HEPATIC DUCTULAR HYPOPLASIA, SYNDROMATIC. Identifiers: Orphanet 261619, Orphanet 52, MedGen C1956125, MONDO:0016862, OMIM 118450.
Cardiovascular phenotype. Identifiers: MedGen CN230736.
Charcot-Marie-Tooth disease, axonal, Type 2HH. Also called: CHARCOT-MARIE-TOOTH NEUROPATHY, TYPE 2HH. Identifiers: MedGen C5562003, MONDO:0030458, OMIM 619574.
Tetralogy of Fallot (TOF). Identifiers: Orphanet 3303, MedGen C0039685, MONDO:0008542, OMIM 187500, HP:0001636.
Deafness, congenital heart defects, and posterior embryotoxon (DCHE). Identifiers: MedGen C1866053, MONDO:0060713, OMIM 617992.

Allele frequency attached by ClinVar (database versions not stated): ExAC 0.00005; TOPMed 0.00006; gnomAD 0.00008 and 0.00009; ESP Exome Variant Server 0.00015.
gnomAD v4.1: 126 of 1,614,064 alleles (0.0078%); highest among the groups gnomAD compares: Admixed American, 0.018%; 1 homozygote.

Submissions (5):

Labcorp Genetics (formerly Invitae), Labcorp
Classification: Likely benign for Alagille syndrome due to a JAG1 point mutation. Last evaluated: 2025-12-01. Review status: criteria provided, single submitter. Criteria: Invitae Variant Classification Sherloc (09022015). Collection method: clinical testing. Allele origin: germline.

Blueprint Genetics
Classification: Likely benign. Last evaluated: 2024-04-11. Review status: criteria provided, single submitter. Criteria: ACMG Guidelines, 2015. Collection method: clinical testing. Allele origin: germline.

Fulgent Genetics
Classification: Likely benign for Alagille syndrome due to a JAG1 point mutation; Tetralogy of Fallot; Deafness, congenital heart defects, and posterior embryotoxon; Charcot-Marie-Tooth disease, axonal, Type 2HH. Last evaluated: 2021-10-22. Review status: criteria provided, single submitter. Criteria: ACMG Guidelines, 2015. Collection method: clinical testing. Allele origin: unknown.

Ambry Genetics
Classification: Likely benign for Cardiovascular phenotype. Last evaluated: 2018-08-16. Review status: criteria provided, single submitter. Criteria: Ambry Variant Classification Scheme 2023. Collection method: clinical testing. Allele origin: germline.

GeneDx
Classification: Likely benign. Last evaluated: 2018-04-10. Review status: criteria provided, single submitter. Criteria: GeneDx Variant Classification (06012015). Collection method: clinical testing. Allele origin: germline. Affected: yes.
Comment: This variant is considered likely benign or benign based on one or more of the following criteria: it is a conservative change, it occurs at a poorly conserved position in the protein, it is predicted to be benign by multiple in silico algorithms, and/or has population frequency not consistent with disease.